The following is an entry in ClinVar:

ClinVar aggregate classification (germline): Uncertain significance. Review status: criteria provided, multiple submitters, no conflicts (2 of 4 stars). 2 submissions from 2 submitters: Uncertain significance (2). Last evaluated 2025-01-19.

Conditions:
Hereditary cancer-predisposing syndrome. Also called: Neoplastic Syndromes, Hereditary; Tumor predisposition; Hereditary neoplastic syndrome; Hereditary Cancer Syndrome. Identifiers: Orphanet 140162, MedGen C0027672, MeSH D009386, MONDO:0015356.
Hereditary breast ovarian cancer syndrome. Also called: Hereditary breast and ovarian cancer syndrome (HBOC); Breast and ovarian cancer; Hereditary breast and/or ovarian cancer syndrome; BRCA1- and BRCA2-Associated Hereditary Breast and Ovarian Cancer; Hereditary breast and ovarian cancer syndrome; Hereditary breast and ovarian cancer. Identifiers: Orphanet 145, MedGen C0677776, MeSH D061325, MONDO:0003582. Disease mechanism: loss of function.

Allele frequency attached by ClinVar (database versions not stated): gnomAD exomes below 0.00001.
gnomAD v4.1: 1 of 1,613,684 alleles (0.000062%); highest among the groups gnomAD compares: East Asian, 0.0022%; no homozygotes.

Submissions (2):

Labcorp Genetics (formerly Invitae), Labcorp
Classification: Uncertain significance for Hereditary breast ovarian cancer syndrome. Last evaluated: 2025-01-19. Review status: criteria provided, single submitter. Criteria: Invitae Variant Classification Sherloc (09022015). Collection method: clinical testing. Allele origin: germline.
Comment: This sequence change replaces glutamic acid, which is acidic and polar, with lysine, which is basic and polar, at codon 1490 of the BRCA1 protein (p.Glu1490Lys). This variant is present in population databases (no rsID available, gnomAD 0.006%). This variant has not been reported in the literature in individuals affected with BRCA1-related conditions. ClinVar contains an entry for this variant (Variation ID: 3226156). Invitae Evidence Modeling of protein sequence and biophysical properties (such as structural, functional, and spatial information, amino acid conservation, physicochemical variation, residue mobility, and thermodynamic stability) indicates that this missense variant is not expected to disrupt BRCA1 protein function with a negative predictive value of 95%. In summary, the available evidence is currently insufficient to determine the role of this variant in disease. Therefore, it has been classified as a Variant of Uncertain Significance.

Ambry Genetics
Classification: Uncertain significance for Hereditary cancer-predisposing syndrome. Last evaluated: 2023-10-09. Review status: criteria provided, single submitter. Criteria: Ambry Variant Classification Scheme 2023. Collection method: clinical testing. Allele origin: germline.
Comment: The p.E1490K variant (also known as c.4468G>A), located in coding exon 12 of the BRCA1 gene, results from a G to A substitution at nucleotide position 4468. The glutamic acid at codon 1490 is replaced by lysine, an amino acid with similar properties. This amino acid position is well conserved in available vertebrate species. In addition, the in silico prediction for this alteration is inconclusive. Since supporting evidence is limited at this time, the clinical significance of this alteration remains unclear.

NM_007294.4(BRCA1):c.4468G>A (p.Glu1490Lys)

Gene: BRCA1 (BRCA1 DNA repair associated; minus strand). Cytogenetic location: 17q21.31.
Variant type: single nucleotide variant.
Coding change: c.4468G>A on transcript NM_007294.4 (MANE Select); coding-DNA position 4468, G replaced by A.
Protein change: p.Glu1490Lys; replaces glutamic acid 1490 with lysine.
Molecular consequence: missense variant. On other transcripts: intron variant (3).
Genome position (GRCh38, 1-based): chr17:43,076,504, C>T on the plus strand (G>A on the coding strand, the complement: BRCA1 is on the minus strand). VCF-style: chr17-43076504-C-T. GRCh37 (hg19) VCF-style: chr17-41228521-C-T.
Other names: c.4324G>A, p.Glu1442Lys (NM_001407737.1, NM_001407738.1, NM_001407739.1 and 21 more transcripts); c.4321G>A, p.Glu1441Lys (NM_001407838.1, NM_001407839.1, NM_001407841.1 and 12 more transcripts); c.4468G>A, p.Glu1490Lys (NM_001407854.1, NM_001407593.1, NM_001407594.1 and 8 more transcripts); c.4465G>A, p.Glu1489Lys (NM_001407858.1, NM_001407859.1, NM_001407860.1 and 17 more transcripts); c.4462G>A, p.Glu1488Lys (NM_001407861.1, NM_001407627.1, NM_001407628.1 and 14 more transcripts); c.4267G>A, p.Glu1423Lys (NM_001407862.1); c.4342G>A, p.Glu1448Lys (NM_001407863.1, NM_001407939.1, NM_001407940.1 and 11 more transcripts); c.4261G>A, p.Glu1421Lys (NM_001407874.1, NM_001407875.1); and 71 more; short protein forms E1193K, E1194K, E1321K, E1361K, E1362K, E1363K, E1377K, E1378K.
Identifiers: ClinVar variation 3226156 (VCV003226156.3), dbSNP rs138608489, ClinGen allele CA10592596.